The following is an entry in ClinVar:

NM_001191061.2(SLC25A22):c.521C>T (p.Thr174Ile)

Gene: SLC25A22 (solute carrier family 25 member 22; minus strand). Cytogenetic location: 11p15.5.
Variant type: single nucleotide variant.
Coding change: c.521C>T on transcript NM_001191061.2 (MANE Select); coding-DNA position 521, C replaced by T.
Protein change: p.Thr174Ile; replaces threonine 174 with isoleucine.
Molecular consequence: missense variant.
Genome position (GRCh38, 1-based): chr11:792,619, G>A on the plus strand (C>T on the coding strand, the complement: SLC25A22 is on the minus strand). VCF-style: chr11-792619-G-A. GRCh37 (hg19) VCF-style: chr11-792619-G-A.
Other names: c.521C>T, p.Thr174Ile (NM_001191060.2, NM_024698.6); short protein forms T174I.
Identifiers: ClinVar variation 1005536 (VCV001005536.6), dbSNP rs773623968, ClinGen allele CA5789165.

ClinVar aggregate classification (germline): Uncertain significance (1 of 4 stars; one submission).

Conditions:
Developmental and epileptic encephalopathy. Identifiers: MedGen C5779964, MONDO:0100620.

Allele frequency attached by ClinVar (database versions not stated): gnomAD exomes below 0.00001; TOPMed below 0.00001; gnomAD 0.00001; ExAC 0.00002.
gnomAD v4.1: 3 of 1,604,260 alleles (0.00019%); highest among the groups gnomAD compares: African/African-American, 0.0027%; no homozygotes.

Submission:

Labcorp Genetics (formerly Invitae), Labcorp
Classification: Uncertain significance for Early-infantile DEE. Last evaluated: 2024-10-15. Review status: criteria provided, single submitter. Criteria: Invitae Variant Classification Sherloc (09022015). Collection method: clinical testing. Allele origin: germline.
Comment: This sequence change replaces threonine, which is neutral and polar, with isoleucine, which is neutral and non-polar, at codon 174 of the SLC25A22 protein (p.Thr174Ile). The frequency data for this variant in the population databases is considered unreliable, as metrics indicate poor data quality at this position in the gnomAD database. This variant has not been reported in the literature in individuals affected with SLC25A22-related conditions. ClinVar contains an entry for this variant (Variation ID: 1005536). Invitae Evidence Modeling of protein sequence and biophysical properties (such as structural, functional, and spatial information, amino acid conservation, physicochemical variation, residue mobility, and thermodynamic stability) indicates that this missense variant is not expected to disrupt SLC25A22 protein function with a negative predictive value of 80%. In summary, the available evidence is currently insufficient to determine the role of this variant in disease. Therefore, it has been classified as a Variant of Uncertain Significance.